The following is an entry in ClinVar:

ClinVar aggregate classification (germline): Uncertain significance (1 of 4 stars; one submission).

Submission:

Ambry Genetics
Classification: Uncertain significance. Last evaluated: 2023-07-15. Review status: criteria provided, single submitter. Criteria: Ambry Variant Classification Scheme 2023. Collection method: clinical testing. Allele origin: germline.
Comment: The p.C76Y variant (also known as c.227G>A), located in coding exon 1 of the PALLD gene, results from a G to A substitution at nucleotide position 227. The cysteine at codon 76 is replaced by tyrosine, an amino acid with highly dissimilar properties. This amino acid position is conserved. In addition, this alteration is predicted to be tolerated by in silico analysis. Since supporting evidence is limited at this time, the clinical significance of this alteration remains unclear.

NM_001166108.2(PALLD):c.227G>A (p.Cys76Tyr)

Gene: PALLD (palladin, cytoskeletal associated protein; plus strand). Cytogenetic location: 4q32.3.
Variant type: single nucleotide variant.
Coding change: c.227G>A on transcript NM_001166108.2 (MANE Select); coding-DNA position 227, G replaced by A.
Protein change: p.Cys76Tyr; replaces cysteine 76 with tyrosine.
Molecular consequence: missense variant.
Genome position (GRCh38, 1-based): chr4:168,511,731, G>A. VCF-style: chr4-168511731-G-A. GRCh37 (hg19) VCF-style: chr4-169432882-G-A.
Other names: c.227G>A, p.Cys76Tyr (NM_016081.4); short protein forms C76Y.
Identifiers: ClinVar variation 2625557 (VCV002625557.2), dbSNP rs2531429512, ClinGen allele CA358725071.
Genomic context (GRCh38, chr4:168,511,731, plus strand): 5'-AAGATTTTGACTCGGAAAAGGAGATCTCGCAGATTTTCAGTACTTCTCCTGCAAGCCTCT[G>A]TGAACATCCTTCCCATAAGGAGACCAAATTGGGTGAACACGCCTCGAGGAGACCTCAGGA-3'
Protein context (NP_001159580.1, residues 66-86): QIFSTSPASL[Cys76Tyr]EHPSHKETKL